The following is an entry in ClinVar:

ClinVar aggregate classification (germline): Uncertain significance (1 of 4 stars; one submission).

Conditions:
Cardiovascular phenotype. Identifiers: MedGen CN230736.

Submission:

Ambry Genetics
Classification: Uncertain significance for Cardiovascular phenotype. Last evaluated: 2022-01-02. Review status: criteria provided, single submitter. Criteria: Ambry Variant Classification Scheme 2023. Collection method: clinical testing. Allele origin: germline.
Comment: The p.N3026S variant (also known as c.9077A>G), located in coding exon 26 of the APOB gene, results from an A to G substitution at nucleotide position 9077. The asparagine at codon 3026 is replaced by serine, an amino acid with highly similar properties. This amino acid position is conserved. In addition, this alteration is predicted to be tolerated by in silico analysis. Since supporting evidence is limited at this time, the clinical significance of this alteration remains unclear.

NM_000384.3(APOB):c.9077A>G (p.Asn3026Ser)

Gene: APOB (apolipoprotein B; minus strand). Cytogenetic location: 2p24.1.
Variant type: single nucleotide variant.
Coding change: c.9077A>G on transcript NM_000384.3 (MANE Select); coding-DNA position 9077, A replaced by G.
Protein change: p.Asn3026Ser; replaces asparagine 3026 with serine.
Molecular consequence: missense variant.
Genome position (GRCh38, 1-based): chr2:21,007,791, T>C on the plus strand (A>G on the coding strand, the complement: APOB is on the minus strand). VCF-style: chr2-21007791-T-C. GRCh37 (hg19) VCF-style: chr2-21230663-T-C.
Other names: short protein forms N3026S.
Identifiers: ClinVar variation 1765686 (VCV001765686.2), dbSNP rs770981667, ClinGen allele CA345992486.